The following is an entry in ClinVar:

ClinVar aggregate classification (germline): Uncertain significance. Review status: criteria provided, multiple submitters, no conflicts (2 of 4 stars). 4 submissions from 4 submitters: Uncertain significance (3). 1 of the submissions does not count toward it. Last evaluated 2025-08-20.

Conditions:
Congenital neutropenia-myelofibrosis-nephromegaly syndrome. Also called: Severe congenital neutropenia 5, autosomal recessive. Identifiers: Orphanet 369852, MedGen C3809031, MONDO:0014118, OMIM 615285.
Inborn genetic diseases. Identifiers: MedGen C0950123, MeSH D030342.

Allele frequency attached by ClinVar (database versions not stated): ExAC 0.00005; gnomAD 0.00007; ESP Exome Variant Server 0.00008; TOPMed 0.00010; gnomAD exomes 0.00011.
gnomAD v4.1: 177 of 1,613,590 alleles (0.011%); highest among the groups gnomAD compares: African/African-American, 0.015%; no homozygotes.

Submissions (4):

Ambry Genetics
Classification: Uncertain significance for Inborn genetic diseases. Last evaluated: 2025-08-20. Review status: criteria provided, single submitter. Criteria: Ambry Variant Classification Scheme 2023. Collection method: clinical testing. Allele origin: germline.

Blueprint Genetics
Classification: Uncertain significance. Last evaluated: 2024-04-17. Review status: criteria provided, single submitter. Criteria: ACMG Guidelines, 2015. Collection method: clinical testing. Allele origin: germline.

Labcorp Genetics (formerly Invitae), Labcorp
Classification: Uncertain significance for Congenital neutropenia-myelofibrosis-nephromegaly syndrome. Last evaluated: 2022-08-19. Review status: criteria provided, single submitter. Criteria: Invitae Variant Classification Sherloc (09022015). Collection method: clinical testing. Allele origin: germline.
Comment: This sequence change replaces arginine, which is basic and polar, with glutamine, which is neutral and polar, at codon 148 of the VPS45 protein (p.Arg148Gln). The frequency data for this variant in the population databases is considered unreliable, as metrics indicate poor data quality at this position in the gnomAD database. This variant has not been reported in the literature in individuals affected with VPS45-related conditions. ClinVar contains an entry for this variant (Variation ID: 991395). Algorithms developed to predict the effect of missense changes on protein structure and function (SIFT, PolyPhen-2, Align-GVGD) all suggest that this variant is likely to be tolerated. In summary, the available evidence is currently insufficient to determine the role of this variant in disease. Therefore, it has been classified as a Variant of Uncertain Significance.

Natera, Inc.
Classification: Uncertain significance for Autosomal recessive severe congenital neutropenia 5. Last evaluated: 2020-09-14. Review status: no assertion criteria provided. Collection method: clinical testing. Allele origin: germline. Not counted in ClinVar's aggregate classification.

NM_007259.5(VPS45):c.443G>A (p.Arg148Gln)

Gene: VPS45 (vacuolar protein sorting 45 homolog; plus strand). Cytogenetic location: 1q21.2.
Variant type: single nucleotide variant.
Coding change: c.443G>A on transcript NM_007259.5 (MANE Select); coding-DNA position 443, G replaced by A.
Protein change: p.Arg148Gln; replaces arginine 148 with glutamine.
Molecular consequence: missense variant. On other transcripts: intron variant (1).
Genome position (GRCh38, 1-based): chr1:150,077,098, G>A. VCF-style: chr1-150077098-G-A. GRCh37 (hg19) VCF-style: chr1-150049176-G-A.
Other names: c.335G>A, p.Arg112Gln (NM_001279354.2); c.443G>A (NM_007259.3); c.262-571G>A (NM_001279353.2); short protein forms R112Q, R148Q.
Identifiers: ClinVar variation 991395 (VCV000991395.5), dbSNP rs370166172, ClinGen allele CA1073147.